The following is an entry in ClinVar:

ClinVar aggregate classification (germline): Uncertain significance (1 of 4 stars; one submission).

Conditions:
Primary ciliary dyskinesia. Also called: Ciliary dyskinesia. Identifiers: Orphanet 244, MedGen C0008780, MONDO:0016575, HP:0012265.

Allele frequency attached by ClinVar (database versions not stated): gnomAD exomes 0.00001; ExAC 0.00002.
gnomAD v4.1: 20 of 1,509,976 alleles (0.0013%); highest among the groups gnomAD compares: South Asian, 0.02%; no homozygotes.

Submission:

Labcorp Genetics (formerly Invitae), Labcorp
Classification: Uncertain significance for Primary ciliary dyskinesia. Last evaluated: 2022-02-04. Review status: criteria provided, single submitter. Criteria: Invitae Variant Classification Sherloc (09022015). Collection method: clinical testing. Allele origin: germline.
Comment: This sequence change falls in intron 27 of the DNAH5 gene. It does not directly change the encoded amino acid sequence of the DNAH5 protein. It affects a nucleotide within the consensus splice site. This variant is present in population databases (rs771009010, gnomAD 0.03%). This variant has not been reported in the literature in individuals affected with DNAH5-related conditions. Variants that disrupt the consensus splice site are a relatively common cause of aberrant splicing (PMID: 17576681, 9536098). Algorithms developed to predict the effect of sequence changes on RNA splicing suggest that this variant is not likely to affect RNA splicing. In summary, the available evidence is currently insufficient to determine the role of this variant in disease. Therefore, it has been classified as a Variant of Uncertain Significance.

Literature cited by the submitters: PubMed 17576681; PubMed 9536098.

NM_001369.3(DNAH5):c.4355+6A>C

Genes: DNAH5 (dynein axonemal heavy chain 5; minus strand), DNAH5-AS1 (DNAH5 antisense RNA 1; plus strand). Cytogenetic location: 5p15.2.
Variant type: single nucleotide variant.
Coding change: c.4355+6A>C on transcript NM_001369.3 (MANE Select); 6 bases into the intron after coding-DNA position 4355, A replaced by C.
Molecular consequence: intron variant.
Genome position (GRCh38, 1-based): chr5:13,865,662, T>G on the plus strand (A>C on the coding strand, the complement: DNAH5 is on the minus strand). VCF-style: chr5-13865662-T-G. GRCh37 (hg19) VCF-style: chr5-13865771-T-G.
Identifiers: ClinVar variation 2140084 (VCV002140084.1), dbSNP rs771009010, ClinGen allele CA3204011.
Genomic context (GRCh38, chr5:13,865,662, plus strand): 5'-CTGCCTATCAAAGAGGAAAGCATTTGAAGTTCAATTGCTGGGCATGCTAAACATTTAATT[T>G]CTTACCTGTTCTGGAATTCTAAGAGTTCATTGTTAATTTTTTCAATATTCACCTCTGACC-3'